The following is an entry in ClinVar:

ClinVar aggregate classification (germline): Uncertain significance (1 of 4 stars; one submission).

Submission:

Labcorp Genetics (formerly Invitae), Labcorp
Classification: Uncertain significance. Last evaluated: 2022-07-03. Review status: criteria provided, single submitter. Criteria: Invitae Variant Classification Sherloc (09022015). Collection method: clinical testing. Allele origin: germline.
Comment: This variant is not present in population databases (gnomAD no frequency). This variant, c.148_150dup, results in the insertion of 1 amino acid(s) of the WNT2B protein (p.Leu50dup), but otherwise preserves the integrity of the reading frame. This variant has not been reported in the literature in individuals affected with WNT2B-related conditions. In summary, the available evidence is currently insufficient to determine the role of this variant in disease. Therefore, it has been classified as a Variant of Uncertain Significance.

NM_024494.3(WNT2B):c.139CTG[5] (p.Leu50_Thr51insLeu)

Genes: WNT2B (Wnt family member 2B; plus strand), LOC122094899 (Sharpr-MPRA regulatory region 8072; plus strand). Cytogenetic location: 1p13.2.
Variant type: Microsatellite.
Coding change: c.139CTG[5] on transcript NM_024494.3 (MANE Select); five copies in a row of the 3-base unit CTG starting at c.139; the reference has four copies in a row; one copy, 3 bases duplicated.
Protein change: p.Leu50_Thr51insLeu.
Molecular consequence: inframe insertion. On other transcripts: intron variant (2).
Genome position (GRCh38, 1-based): chr1:112,509,410-112,509,412, CTG duplicated; duplicating any 3 consecutive bases within chr1:112,509,401-112,509,412 gives the same sequence; the position shown is the placement nearest the transcript's 3' end. VCF-style (leftmost placement, unchanged base first): chr1-112509400-C-CCTG. GRCh37 (hg19) VCF-style: chr1-113052022-C-CCTG.
Other names: c.126-5473CTG[5] (NM_004185.4); c.-94-5473CTG[5] (NM_001291880.1).
Identifiers: ClinVar variation 2013692 (VCV002013692.4), dbSNP rs778345526, ClinGen allele CA1189374887.